The following is an entry in ClinVar:

ClinVar aggregate classification (germline): Benign/Likely benign. Review status: criteria provided, multiple submitters, no conflicts (2 of 4 stars). 3 submissions from 3 submitters: Benign (1); Likely benign (1). 1 of the submissions does not count toward it. Last evaluated 2026-01-12.

Conditions:
ACAN-related disorder. Also called: ACAN-related disorders; ACAN-related condition.

Allele frequency attached by ClinVar (database versions not stated): TOPMed 0.00009; 1000 Genomes Project 30x 0.00016; 1000 Genomes Project 0.00020; ExAC 0.00046; gnomAD 0.00060 and 0.00063; gnomAD exomes 0.00072.
gnomAD v4.1: 556 of 1,614,062 alleles (0.034%); highest among the groups gnomAD compares: Non-Finnish European, 0.0096%; 1 homozygote.

Submissions (3):

Labcorp Genetics (formerly Invitae), Labcorp
Classification: Benign. Last evaluated: 2026-01-12. Review status: criteria provided, single submitter. Criteria: Invitae Variant Classification Sherloc (09022015). Collection method: clinical testing. Allele origin: germline.

Blueprint Genetics
Classification: Likely benign. Last evaluated: 2024-04-22. Review status: criteria provided, single submitter. Criteria: ACMG Guidelines, 2015. Collection method: clinical testing. Allele origin: germline.

PreventionGenetics, part of Exact Sciences
Classification: Benign for ACAN-related condition. Last evaluated: 2019-07-22. Review status: no assertion criteria provided. Collection method: clinical testing. Allele origin: germline. Not counted in ClinVar's aggregate classification.
Comment: This variant is classified as benign based on ACMG/AMP sequence variant interpretation guidelines (Richards et al. 2015 PMID: 25741868, with internal and published modifications).

NM_001369268.1(ACAN):c.1188C>T (p.Ser396=)

Gene: ACAN (aggrecan; plus strand). Cytogenetic location: 15q26.1.
Variant type: single nucleotide variant.
Coding change: c.1188C>T on transcript NM_001369268.1 (MANE Select); coding-DNA position 1188, C replaced by T.
Protein change: p.Ser396=; no amino-acid change (serine 396 retained).
Molecular consequence: synonymous variant.
Genome position (GRCh38, 1-based): chr15:88,845,641, C>T. VCF-style: chr15-88845641-C-T. GRCh37 (hg19) VCF-style: chr15-89388872-C-T.
Other names: c.1188C>T, p.Ser396= (NM_001135.4, NM_013227.4).
Identifiers: ClinVar variation 799421 (VCV000799421.11), dbSNP rs572438161, ClinGen allele CA7719486.